The following is an entry in ClinVar:

ClinVar aggregate classification (germline): Uncertain significance (1 of 4 stars; one submission).

Submission:

Labcorp Genetics (formerly Invitae), Labcorp
Classification: Uncertain significance. Last evaluated: 2023-10-23. Review status: criteria provided, single submitter. Criteria: Invitae Variant Classification Sherloc (09022015). Collection method: clinical testing. Allele origin: germline.
Comment: This sequence change replaces glutamine, which is neutral and polar, with histidine, which is basic and polar, at codon 296 of the IRF2BP2 protein (p.Gln296His). This variant is not present in population databases (gnomAD no frequency). This variant has not been reported in the literature in individuals affected with IRF2BP2-related conditions. An algorithm developed to predict the effect of missense changes on protein structure and function (PolyPhen-2) suggests that this variant is likely to be disruptive. In summary, the available evidence is currently insufficient to determine the role of this variant in disease. Therefore, it has been classified as a Variant of Uncertain Significance.

NM_182972.3(IRF2BP2):c.888G>C (p.Gln296His)

Gene: IRF2BP2 (interferon regulatory factor 2 binding protein 2; minus strand). Cytogenetic location: 1q42.3.
Variant type: single nucleotide variant.
Coding change: c.888G>C on transcript NM_182972.3 (MANE Select); coding-DNA position 888, G replaced by C.
Protein change: p.Gln296His; replaces glutamine 296 with histidine.
Molecular consequence: missense variant.
Genome position (GRCh38, 1-based): chr1:234,608,607, C>G on the plus strand (G>C on the coding strand, the complement: IRF2BP2 is on the minus strand). VCF-style: chr1-234608607-C-G. GRCh37 (hg19) VCF-style: chr1-234744353-C-G.
Other names: c.888G>C, p.Gln296His (NM_001077397.1); short protein forms Q296H.
Identifiers: ClinVar variation 2728807 (VCV002728807.3), dbSNP rs752328419, ClinGen allele CA345307751.